The following is an entry in ClinVar:

NM_000368.5(TSC1):c.3232G>A (p.Val1078Met)

Gene: TSC1 (TSC complex subunit 1; minus strand). Cytogenetic location: 9q34.13.
Variant type: single nucleotide variant.
Coding change: c.3232G>A on transcript NM_000368.5 (MANE Select); coding-DNA position 3232, G replaced by A.
Protein change: p.Val1078Met; replaces valine 1078 with methionine.
Molecular consequence: missense variant. On other transcripts: non-coding transcript variant (5).
Genome position (GRCh38, 1-based): chr9:132,896,498, C>T on the plus strand (G>A on the coding strand, the complement: TSC1 is on the minus strand). VCF-style: chr9-132896498-C-T. GRCh37 (hg19) VCF-style: chr9-135771885-C-T.
Other names: c.3229G>A, p.Val1077Met (NM_001162426.2, NM_001406597.1, NM_001406598.1 and 2 more transcripts); c.3079G>A, p.Val1027Met (NM_001162427.2, NM_001406610.1); c.2869G>A, p.Val957Met (NM_001362177.2, NM_001406614.1, NM_001406615.1 and 4 more transcripts); c.3232G>A, p.Val1078Met (NM_001406592.1, NM_001406593.1, NM_001406594.1 and 2 more transcripts); c.3217G>A, p.Val1073Met (NM_001406601.1, NM_001406602.1); c.3214G>A, p.Val1072Met (NM_001406603.1, NM_001406604.1); c.3190G>A, p.Val1064Met (NM_001406605.1, NM_001406606.1, NM_001406607.1); c.3187G>A, p.Val1063Met (NM_001406608.1, NM_001406609.1); and 8 more; short protein forms V1026M, V1027M, V1078M, V943M, V1012M, V1077M, V760M, V761M.
Identifiers: ClinVar variation 4795900 (VCV004795900.1).

ClinVar aggregate classification (germline): Likely benign (1 of 4 stars; one submission).

Conditions:
Tuberous sclerosis 1 (TSC1). Identifiers: Orphanet 805, MedGen C1854465, MONDO:0008612, OMIM 191100.

Submission:

Centre for Medical Genetics,  Mumbai
Classification: Likely benign for Tuberous sclerosis 1. Last evaluated: 2026-02-18. Review status: criteria provided, single submitter. Criteria: ACMG Guidelines, 2015. Collection method: provider interpretation. Allele origin: germline. Inheritance: Autosomal dominant inheritance. Affected: no. Observed: 1 heterozygote.
Comment: The variant satisfies PM2 criteria; extremely low frequency in gnomAD population databases. However, the variant satisfies BS2 criteria.

Literature cited by the submitters: PubMed 9242607.